The following is an entry in ClinVar:

NM_152219.4(GJD3):c.522G>C (p.Pro174=)

Genes: GJD3 (gap junction protein delta 3; minus strand), GJD3-AS1 (GJD3 antisense RNA 1; plus strand). Cytogenetic location: 17q21.2.
Variant type: single nucleotide variant.
Coding change: c.522G>C on transcript NM_152219.4 (MANE Select); coding-DNA position 522, G replaced by C.
Protein change: p.Pro174=; no amino-acid change (proline 174 retained).
Molecular consequence: synonymous variant. On other transcripts: non-coding transcript variant (1).
Genome position (GRCh38, 1-based): chr17:40,363,294, C>G on the plus strand (G>C on the coding strand, the complement: GJD3 is on the minus strand). VCF-style: chr17-40363294-C-G. GRCh37 (hg19) VCF-style: chr17-38519546-C-G.
Identifiers: ClinVar variation 3387759 (VCV003387759.2).

ClinVar aggregate classification (germline): Likely benign (1 of 4 stars; one submission).

Conditions:
Meniere disease. Also called: Ménière's disease. Identifiers: MedGen C0025281, MONDO:0007972, OMIM 156000.

gnomAD v4.1: 29,109 of 1,404,810 alleles (2.1%); highest among the groups gnomAD compares: Non-Finnish European, 2.4%; 349 homozygotes.

Submission:

Meniere Disease Neuroscience Research Program, Faculty of Medicine and Health, Kolling Institute, The University of Sydney
Classification: Likely benign for Meniere disease. Last evaluated: 2024-01-09. Review status: criteria provided, single submitter. Criteria: ACMG Guidelines, 2015. Collection method: research. Allele origin: germline. Affected: yes. Observed: 18 variant alleles.
Comment: The NC_000017.11:g.40363294C>G, is a synonymous variant in GJD3 gene in the extracellular extreme of the connexon. The variant is part of an haplotype involved in Meniere’s Disease, composed by g.40356228C>T, g.40363058C>G, g.40363293G>A, g.40363294C>G and g.40363579G>T. The haplotype was found in 10 individuals with familial Meniere’s Disease, segregating in 3 of these families (PP1); and in another 8 individuals with sporadic Meniere’s Disease. GnomAD exomes allele frequency = 0.0214 is greater than 0.0001 (BS1); however, the frequency of the haplotype for the Iberian population in Spain is 0.0093. The variant was observed in healthy adults in gnomAD (BS2). It is a synonymous variants with not predicted splicing and in a position not conserved (phyloP = -0.551) (BP4 and BP7). In summary, this variant meets the criteria to be classified as likely benign based on the ACMG/AMP criteria applied: PP1,BS1,BS2,BP4, BP7.